The following is an entry in ClinVar:

NM_000133.4(F9):c.1067G>T (p.Trp356Leu)

Gene: F9 (coagulation factor IX; plus strand). Cytogenetic location: Xq27.1.
Variant type: single nucleotide variant.
Coding change: c.1067G>T on transcript NM_000133.4 (MANE Select); coding-DNA position 1067, G replaced by T.
Protein change: p.Trp356Leu; replaces tryptophan 356 with leucine.
Molecular consequence: missense variant.
Genome position (GRCh38, 1-based): chrX:139,561,752, G>T. VCF-style: chrX-139561752-G-T. GRCh37 (hg19) VCF-style: chrX-138643911-G-T.
Other names: c.953G>T, p.Trp318Leu (NM_001313913.2); short protein forms W356L, W318L.
Identifiers: ClinVar variation 627201 (VCV000627201.4), dbSNP rs1479241411, ClinGen allele CA414445678.

ClinVar aggregate classification (germline): Conflicting classifications of pathogenicity. Review status: criteria provided, conflicting classifications (1 of 4 stars). 2 submissions from 2 submitters: Likely pathogenic (1); Uncertain significance (1). Last evaluated 2024-11-29.

Conditions:
Abnormality of coagulation. Identifiers: MedGen C1846821, HP:0001928.

Submissions (2):

Women's Health and Genetics/Laboratory Corporation of America, LabCorp
Classification: Uncertain significance. Last evaluated: 2024-11-29. Review status: criteria provided, single submitter. Criteria: LabCorp Variant Classification Summary - May 2015. Collection method: clinical testing. Allele origin: germline.
Comment: Variant summary: F9 c.1067G>T (p.Trp356Leu) results in a non-conservative amino acid change located in the Serine proteases, trypsin domain profile (IPR001254) of the encoded protein sequence. Five of five in-silico tools predict a damaging effect of the variant on protein function. The variant was absent in 183181 control chromosomes. c.1067G>T has been reported in the literature in hemizygous individuals affected with Factor IX Deficiency (Hemophilia B) (Giannelli_1994, Downes_2019). These data indicate that the variant may be associated with disease. To our knowledge, no experimental evidence demonstrating an impact on protein function has been reported. The following publications have been ascertained in the context of this evaluation (PMID: 19699296, 31064749, 7937052). ClinVar contains an entry for this variant (Variation ID: 627201). Based on the evidence outlined above, the variant was classified as VUS-possibly pathogenic.

NIHR Bioresource Rare Diseases, University of Cambridge
Classification: Likely pathogenic for Abnormality of coagulation. Last evaluated: 2019-02-01. Review status: criteria provided, single submitter. Criteria: ACMG Guidelines, 2015. Collection method: research. Allele origin: unknown. Affected: yes. Observed: 1 hemizygote. Study: ThromboGenomics.

Literature cited by the submitters: PubMed 31064749 (cited by Women's Health and Genetics/Laboratory Corporation of America, LabCorp and NIHR Bioresource Rare Diseases, University of Cambridge); PubMed 19699296 (cited by Women's Health and Genetics/Laboratory Corporation of America, LabCorp); PubMed 7937052 (cited by Women's Health and Genetics/Laboratory Corporation of America, LabCorp).